The following is an entry in ClinVar:

ClinVar aggregate classification (somatic clinical impact): Tier I - Strong (1 of 4 stars; one submission).

Conditions:
Melanoma. Identifiers: MedGen C0025202, MeSH D008545, MONDO:0005105, HP:0002861.

Submission:

Institute for Genomic Medicine (IGM) Clinical Laboratory, Nationwide Children's Hospital
Classification: Tier I - Strong for Melanoma. Assertion type: diagnostic. Clinical significance: supports diagnosis. Last evaluated: 2024-10-18. Review status: criteria provided, single submitter. Criteria: AMP/ASCO/CAP Guidelines, 2017. Collection method: clinical testing. Allele origin: somatic. Affected: yes.
Comment: Variant has Tier I (strong) clinical significance as a diagnostic inclusion criterion in melanoma, based on the following evidence: 1) Appears in one or more well-established professional guidelines (e.g., World Health Organization [WHO]; National Comprehensive Cancer Network [NCCN]) as providing diagnostic, prognostic, or therapeutic information. 2) Information in the literature supports potential biologic effect of variant (PMID: 34905385). 3) Diagnostic for a specific tumor type/classification based on well-powered studies with expert-level consensus (Evidence Level B; PMIDs: 26683228, 28409567, 28499758, 34905385).

Literature cited by the submitters: PubMed 34905385; PubMed 26683228; PubMed 28409567; PubMed 28499758.

NM_001377142.1(PLCB4):c.1924_1925delinsTT (p.Asp642Phe)

Gene: PLCB4 (phospholipase C beta 4; plus strand). Cytogenetic location: 20p12.2.
Variant type: Indel.
Coding change: c.1924_1925delinsTT on transcript NM_001377142.1 (MANE Select); coding-DNA positions 1924 to 1925, GA replaced by TT.
Protein change: p.Asp642Phe; replaces aspartic acid 642 with phenylalanine.
Molecular consequence: missense variant.
Genome position (GRCh38, 1-based): chr20:9,409,106-9,409,107, GA replaced by TT. VCF-style: chr20-9409106-GA-TT. GRCh37 (hg19) VCF-style: chr20-9389753-GA-TT.
Other names: c.1888_1889delinsTT, p.Asp630Phe (NM_000933.4, NM_001377134.2, NM_001377135.1 and 2 more transcripts); c.1924_1925delinsTT, p.Asp642Phe (NM_001172646.2, NM_001377143.1); short protein forms D630F, D642F.
Identifiers: ClinVar variation 4530420 (VCV004530420.1).